The following is an entry in ClinVar:

NM_000303.3(PMM2):c.640-1G>A

Gene: PMM2 (phosphomannomutase 2; plus strand). Cytogenetic location: 16p13.2.
Variant type: single nucleotide variant.
Coding change: c.640-1G>A on transcript NM_000303.3 (MANE Select); the canonical splice acceptor site of the intron before coding-DNA position 640, G replaced by A.
Molecular consequence: splice acceptor variant.
Genome position (GRCh38, 1-based): chr16:8,847,723, G>A. VCF-style: chr16-8847723-G-A. GRCh37 (hg19) VCF-style: chr16-8941580-G-A.
Identifiers: ClinVar variation 5004332 (VCV005004332.1).
Genomic context (GRCh38, chr16:8,847,723, plus strand): 5'-CATCAGCAATGGCCCGGGACAGACGAGGGGGAGCCTTCATCTGTACTTCGTGTCTTTCCA[G>A]GGTGGCAATGACCATGAGATCTTCACAGACCCCAGAACCATGGGCTACTCCGTGACAGCG-3'

ClinVar aggregate classification (germline): Likely pathogenic (1 of 4 stars; one submission).

Conditions:
PMM2-congenital disorder of glycosylation. Also called: CDG Ia; CARBOHYDRATE-DEFICIENT GLYCOPROTEIN SYNDROME, TYPE Ia; JAEKEN SYNDROME; PMM2-CDG; Congenital disorder of glycosylation, type Ia; PHOSPHOMANNOMUTASE 2 DEFICIENCY. Identifiers: Orphanet 79318, MedGen C0349653, MONDO:0008907, OMIM 212065.

Submission:

Myriad Genetics, Inc.
Classification: Likely pathogenic for PMM2-congenital disorder of glycosylation. Last evaluated: 2025-12-23. Review status: criteria provided, single submitter. Criteria: Myriad Autosomal Dominant, Autosomal Recessive and X-Linked Classification Criteria (2023). Collection method: clinical testing. Allele origin: unknown.
Comment: NM_000303.2(PMM2):c.640-1G>A is a variant in a canonical splice site classified as likely pathogenic in the context of congenital disorder of glycosylation, PMM2-related. c.640-1G>A has not been observed in cases with relevant disease. Relevant functional assessments of this variant are not available in the literature. c.640-1G>A has not been observed in referenced population frequency databases. In summary, NM_000303.2(PMM2):c.640-1G>A is a variant in a canonical splice site in a gene where loss of function is a known mechanism of disease and is predicted to disrupt protein function. Please note: this variant was assessed in the context of healthy population screening.